The following is an entry in ClinVar:

ClinVar aggregate classification (germline): Uncertain significance (1 of 4 stars; one submission).

Submission:

Labcorp Genetics (formerly Invitae), Labcorp
Classification: Uncertain significance. Last evaluated: 2024-10-28. Review status: criteria provided, single submitter. Criteria: Invitae Variant Classification Sherloc (09022015). Collection method: clinical testing. Allele origin: germline.
Comment: This sequence change affects a donor splice site in intron 7 of the MYLK3 gene. It is expected to disrupt RNA splicing. Variants that disrupt the donor or acceptor splice site typically lead to a loss of protein function (PMID: 16199547), however the current clinical and genetic evidence is not sufficient to establish whether loss-of-function variants in MYLK3 cause disease. This variant is present in population databases (no rsID available, gnomAD 0.003%). This variant has not been reported in the literature in individuals affected with MYLK3-related conditions. Algorithms developed to predict the effect of sequence changes on RNA splicing suggest that this variant may disrupt the consensus splice site. In summary, the available evidence is currently insufficient to determine the role of this variant in disease. Therefore, it has been classified as a Variant of Uncertain Significance.

Literature cited by the submitters: PubMed 16199547.

NM_182493.3(MYLK3):c.1772+2T>C

Gene: MYLK3 (myosin light chain kinase 3; minus strand). Cytogenetic location: 16q11.2.
Variant type: single nucleotide variant.
Coding change: c.1772+2T>C on transcript NM_182493.3 (MANE Select); the canonical splice donor site of the intron after coding-DNA position 1772, T replaced by C.
Molecular consequence: splice donor variant.
Genome position (GRCh38, 1-based): chr16:46,729,022, A>G on the plus strand (T>C on the coding strand, the complement: MYLK3 is on the minus strand). VCF-style: chr16-46729022-A-G. GRCh37 (hg19) VCF-style: chr16-46762934-A-G.
Other names: c.749+2T>C (NM_001308301.1).
Identifiers: ClinVar variation 3723933 (VCV003723933.2).